The following is an entry in ClinVar:

ClinVar aggregate classification (germline): Pathogenic. Review status: criteria provided, single submitter (1 of 4 stars). 2 submissions from 2 submitters: Pathogenic (1). 1 of the submissions does not count toward it. Last evaluated 2025-08-21.

Conditions:
Agammaglobulinemia 9, autosomal recessive (AGM9). Also called: AGAMMAGLOBULINEMIA, AUTOSOMAL RECESSIVE, DUE TO SLC39A7 DEFECT. Identifiers: Orphanet 693627, MedGen C5562059, MONDO:0030519, OMIM 619693.

Allele frequency attached by ClinVar (database versions not stated): TOPMed 0.00001; gnomAD exomes below 0.00001.
gnomAD v4.1: 4 of 1,613,012 alleles (0.00025%); highest among the groups gnomAD compares: Non-Finnish European, 0.00034%; no homozygotes.

Submissions (2):

Labcorp Genetics (formerly Invitae), Labcorp
Classification: Pathogenic. Last evaluated: 2025-08-21. Review status: criteria provided, single submitter. Criteria: Invitae Variant Classification Sherloc (09022015). Collection method: clinical testing. Allele origin: germline.
Comment: This sequence change replaces leucine, which is neutral and non-polar, with proline, which is neutral and non-polar, at codon 217 of the SLC39A7 protein (p.Leu217Pro). This variant is not present in population databases (gnomAD no frequency). This missense change has been observed in individual(s) with agammaglobulinemia and/or clinical features of agammaglobulinemia (PMID: 30718914; internal data). In at least one individual the data is consistent with being in trans (on the opposite chromosome) from a pathogenic variant. ClinVar contains an entry for this variant (Variation ID: 1333090). An algorithm developed to predict the effect of missense changes on protein structure and function (PolyPhen-2) suggests that this variant is likely to be disruptive. For these reasons, this variant has been classified as Pathogenic.

OMIM
Classification: Pathogenic for AGAMMAGLOBULINEMIA 9, AUTOSOMAL RECESSIVE. Last evaluated: 2022-01-18. Review status: no assertion criteria provided. Collection method: literature only. Allele origin: germline. Not counted in ClinVar's aggregate classification.

Literature cited by the submitters: PubMed 30718914 (cited by Labcorp Genetics (formerly Invitae), Labcorp and OMIM).

NM_006979.3(SLC39A7):c.650T>C (p.Leu217Pro)

Gene: SLC39A7 (solute carrier family 39 member 7; plus strand). Cytogenetic location: 6p21.32.
Variant type: single nucleotide variant.
Coding change: c.650T>C on transcript NM_006979.3 (MANE Select); coding-DNA position 650, T replaced by C.
Protein change: p.Leu217Pro; replaces leucine 217 with proline.
Molecular consequence: missense variant.
Genome position (GRCh38, 1-based): chr6:33,202,278, T>C. VCF-style: chr6-33202278-T-C. GRCh37 (hg19) VCF-style: chr6-33170055-T-C.
Other names: L217P; c.650T>C, p.Leu217Pro (NM_001077516.2); c.275T>C, p.Leu92Pro (NM_001288777.2); short protein forms L92P.
Identifiers: ClinVar variation 1333090 (VCV001333090.5), dbSNP rs1170038377, ClinGen allele CA363642085.